The following is an entry in ClinVar:

ClinVar aggregate classification (germline): Benign. Review status: criteria provided, multiple submitters, no conflicts (2 of 4 stars). 2 submissions from 2 submitters: Benign (2). Last evaluated 2018-06-14.

Allele frequency attached by ClinVar (database versions not stated): 1000 Genomes Project 0.17831; 1000 Genomes Project 30x 0.18364; gnomAD exomes 0.18874; TOPMed 0.22579; gnomAD 0.22648 and 0.23460.
gnomAD v4.1: 141,512 of 716,148 alleles (20%); highest among the groups gnomAD compares: African/African-American, 29%; 15,320 homozygotes.

Submissions (2):

GeneDx
Classification: Benign. Last evaluated: 2018-06-14. Review status: criteria provided, single submitter. Criteria: GeneDx Variant Classification (06012015). Collection method: clinical testing. Allele origin: germline. Affected: yes.
Comment: This variant is considered likely benign or benign based on one or more of the following criteria: it is a conservative change, it occurs at a poorly conserved position in the protein, it is predicted to be benign by multiple in silico algorithms, and/or has population frequency not consistent with disease.

Breakthrough Genomics
Classification: Benign. Review status: criteria provided, single submitter. Criteria: ACMG Guidelines, 2015. Collection method: not provided. Allele origin: germline. Inheritance: Autosomal dominant inheritance. Affected: yes.

NM_002880.4(RAF1):c.1417+170C>G

Gene: RAF1 (Raf-1 proto-oncogene, serine/threonine kinase; minus strand). Cytogenetic location: 3p25.2.
Variant type: single nucleotide variant.
Coding change: c.1417+170C>G on transcript NM_002880.4 (MANE Select); 170 bases into the intron after coding-DNA position 1417, C replaced by G.
Molecular consequence: intron variant.
Genome position (GRCh38, 1-based): chr3:12,587,421, G>C on the plus strand (C>G on the coding strand, the complement: RAF1 is on the minus strand). VCF-style: chr3-12587421-G-C. GRCh37 (hg19) VCF-style: chr3-12628920-G-C.
Other names: c.1075+170C>G (NM_001354695.3); c.1174+170C>G (NM_001354692.3, NM_001354691.3); c.1234+170C>G (NM_001354694.3); c.1318+170C>G (NM_001354693.3); c.1477+170C>G (NM_001354689.3); c.1417+170C>G (NM_001354690.3).
Identifiers: ClinVar variation 561371 (VCV000561371.2), dbSNP rs2290159, ClinGen allele CA11467344.